The following is an entry in ClinVar:

ClinVar aggregate classification (germline): Uncertain significance (1 of 4 stars; one submission).

Submission:

GeneDx
Classification: Uncertain significance. Last evaluated: 2024-02-15. Review status: criteria provided, single submitter. Criteria: GeneDx Variant Classification Process June 2021. Collection method: clinical testing. Allele origin: germline. Affected: yes.
Comment: Frameshift variant predicted to result in protein truncation or nonsense mediated decay in a gene or region of a gene for which loss of function is not a well-established mechanism of disease; Not observed at significant frequency in large population cohorts (gnomAD); Has not been previously published as pathogenic or benign to our knowledge

NM_000884.3(IMPDH2):c.71dup (p.Asn25fs)

Gene: IMPDH2 (inosine monophosphate dehydrogenase 2; minus strand). Cytogenetic location: 3p21.31.
Variant type: Duplication.
Coding change: c.71dup on transcript NM_000884.3 (MANE Select); coding-DNA position 71, one base duplicated (T; older notation c.71dupT).
Protein change: p.Asn25fs; shifts the reading frame from asparagine 25.
Molecular consequence: frameshift variant.
Genome position (GRCh38, 1-based): chr3:49,029,280, A duplicated on the plus strand (T on the coding strand, the reverse complement: IMPDH2 is on the minus strand); the first of 2 consecutive A bases (chr3:49,029,280-49,029,281); duplicating either gives the same sequence. VCF-style (leftmost placement, unchanged base first): chr3-49029279-G-GA. GRCh37 (hg19) VCF-style: chr3-49066712-G-GA.
Other names: c.71dup, p.Asn25fs (NM_001410759.1, NM_001410760.1, NM_001410761.1); short protein forms N25fs.
Identifiers: ClinVar variation 3369372 (VCV003369372.1).